The following is an entry in ClinVar:

ClinVar aggregate classification (germline): Pathogenic. Review status: reviewed by expert panel (3 of 4 stars). 11 submissions from 10 submitters: Pathogenic (1). 10 of the submissions do not count toward it. Last evaluated 2017-03-17.

Conditions:
CFTR-related disorder (CFTR-RD). Also called: CFTR-related condition; CFTR-related disorders. Identifiers: MedGen C5924204, MONDO:7770004.
Congenital bilateral aplasia of vas deferens from CFTR mutation (CBAVD). Identifiers: Orphanet 48, MedGen C0403814, MONDO:0010178, OMIM 277180. Disease mechanism: loss of function.
Cystic fibrosis (CF). Also called: MUCOVISCIDOSIS. Identifiers: Orphanet 586, MedGen C0010674, MONDO:0009061, OMIM 219700. Disease mechanism: loss of function.
Bronchiectasis with or without elevated sweat chloride 1 (BESC1). Also called: Cystic Fibrosis-Like Syndrome. Identifiers: Orphanet 60033, MedGen C2749757, MONDO:0008887, OMIM 211400.

Submissions (11):

CFTR2
Classification: Pathogenic for Cystic fibrosis. Last evaluated: 2017-03-17. Review status: reviewed by expert panel. Criteria: Sosnay PR et al. (Nat Genet 2013). Collection method: research. Allele origin: germline. Affected: yes. Study: CFTR2.

Labcorp Genetics (formerly Invitae), Labcorp
Classification: Pathogenic for Cystic fibrosis. Last evaluated: 2025-12-22. Review status: criteria provided, single submitter. Criteria: Invitae Variant Classification Sherloc (09022015). Collection method: clinical testing. Allele origin: germline. Not counted in ClinVar's aggregate classification.
Comment: This sequence change creates a premature translational stop signal (p.Arg658Lysfs*4) in the CFTR gene. It is expected to result in an absent or disrupted protein product. Loss-of-function variants in CFTR are known to be pathogenic (PMID: 1695717, 7691345, 9725922). This variant is not present in population databases (gnomAD no frequency). This premature translational stop signal has been observed in individual(s) with cystic fibrosis and/or other CFTR-related conditions (PMID: 11668613, 18456578, 26708955). This variant is also known as 2105-2117del13insAGAAA. ClinVar contains an entry for this variant (Variation ID: 2691445). For these reasons, this variant has been classified as Pathogenic.

Natera, Inc.
Classification: Pathogenic for CFTR-related disorders. Last evaluated: 2025-08-26. Review status: criteria provided, single submitter. Criteria: Natera Variant Classification Schema (03/2026). Collection method: clinical testing. Allele origin: germline. Not counted in ClinVar's aggregate classification.
Comment: The c.1973_1985delGAAATTCAATCCTinsAGAAA variant in CFTR is a frameshift variant predicted to shift the reading frame beginning at codon 658 and leads to a stop codon 4 codons downstream. This variant is expected to result in nonsense mediated decay, truncation, or a dysfunctional protein product. This variant is rare in the general population with a frequency below the threshold expected for the associated phenotype(s). This variant has been observed in one or more individuals affected with the associated recessive disease, as either homozygous or compound heterozygous with a second variant (PMID: 11038458, 24418186). Given the available evidence, this variant is classified as Pathogenic.

PreventionGenetics, part of Exact Sciences
Classification: Pathogenic for CFTR-related condition. Last evaluated: 2025-04-14. Review status: criteria provided, single submitter. Criteria: ACMG Guidelines, 2015. Collection method: clinical testing. Allele origin: germline. Not counted in ClinVar's aggregate classification.
Comment: The CFTR c.1973_1985delinsAGAAA variant is predicted to result in a frameshift and premature protein termination (p.Arg658Lysfs*4). This variant, also referred to as 2105-2117 del13insAGAAA, has been reported in multiple individuals with cystic fibrosis and other CFTR-related disorders (Wong et al. 2000. PubMed ID: 11038458; Schrijver et al. 2005. PubMed ID: 15858154; Prach et al. 2013. PubMed ID: 23810505). This variant has not been reported in a large population database (gnomAD), indicating this variant is rare. Frameshift variants in CFTR are expected to be pathogenic. This variant is interpreted as pathogenic.

Ambry Genetics
Classification: Pathogenic for Cystic fibrosis. Last evaluated: 2024-05-30. Review status: criteria provided, single submitter. Criteria: Ambry Variant Classification Scheme 2023. Collection method: clinical testing. Allele origin: germline. Not counted in ClinVar's aggregate classification.
Comment: The c.1973_1985del13insAGAAA pathogenic mutation, located in coding exon 14 of the CFTR gene, results from the deletion of 13 nucleotides and insertion of 5 nucleotides causing a translational frameshift with a predicted alternate stop codon (p.R658Kfs*4). This mutation was detected in trans with p.F508del in two Hispanic siblings with cystic fibrosis (CF) (Wong LJ et al. Prenat. Diagn., 2000 Oct;20:807-10). This mutation has been reported as one of the most frequent CFTR alterations in Hispanic individuals with CF in the United States (Schrijver I et al. J Mol Diagn, 2016 Jan;18:39-50). In addition to the clinical data presented in the literature, this alteration is expected to result in loss of function by premature protein truncation or nonsense-mediated mRNA decay. As such, this alteration is interpreted as a disease-causing mutation.

Baylor Genetics
Classification: Pathogenic for Bronchiectasis with or without elevated sweat chloride 1. Last evaluated: 2024-03-30. Review status: criteria provided, single submitter. Criteria: ACMG Guidelines, 2015. Collection method: clinical testing. Allele origin: unknown. Not counted in ClinVar's aggregate classification.

Johns Hopkins Genomics, Johns Hopkins University
Classification: Pathogenic for Cystic fibrosis. Last evaluated: 2023-12-01. Review status: criteria provided, single submitter. Criteria: ACMG Guidelines, 2015. Collection method: clinical testing. Allele origin: germline. Not counted in ClinVar's aggregate classification.
Comment: Disease-causing CFTR variant. See CFTR2 for phenotype information.

Women's Health and Genetics/Laboratory Corporation of America, LabCorp
Classification: Pathogenic for Cystic fibrosis. Last evaluated: 2020-08-25. Review status: criteria provided, single submitter. Criteria: LabCorp Variant Classification Summary - May 2015. Collection method: clinical testing. Allele origin: germline. Not counted in ClinVar's aggregate classification.
Comment: Variant summary: CFTR c.1973_1985delinsAGAAA (p.Arg658LysfsX4) results in a premature termination codon, predicted to cause a truncation of the encoded protein or absence of the protein due to nonsense mediated decay, which are commonly known mechanisms for disease. Truncations downstream of this position have been classified as pathogenic by our laboratory. The variant was absent in 250848 control chromosomes. c.1973_1985delinsAGAAA has been reported in the literature in multiple individuals affected with Cystic Fibrosis (examples- Wong_2000, 2001, Shrijver_2005, Kay_2015). These data indicate that the variant is very likely to be associated with disease. To our knowledge, no experimental evidence demonstrating an impact on protein function has been reported. Three other clinical diagnostic laboratories have submitted clinical-significance assessments for this variant to ClinVar after 2014 without evidence for independent evaluation. All laboratories cited the variant as pathogenic. Based on the evidence outlined above, the variant was classified as pathogenic.

Mayo Clinic Laboratories, Mayo Clinic
Classification: Pathogenic. Last evaluated: 2020-04-27. Review status: criteria provided, single submitter. Criteria: ACMG Guidelines, 2015. Collection method: clinical testing. Allele origin: germline. Observed: 1 variant allele. Not counted in ClinVar's aggregate classification.

Quest Diagnostics Nichols Institute San Juan Capistrano
Classification: Pathogenic. Last evaluated: 2019-10-18. Review status: criteria provided, single submitter. Criteria: Quest Diagnostics criteria. Collection method: clinical testing. Allele origin: unknown. Not counted in ClinVar's aggregate classification.
Comment: The variant results in a shift of the reading frame, and is therefore predicted to result in the loss of a functional protein. Found in at least one patient with expected phenotype for this gene, and not found in general population data.

Baylor Genetics
Classification: Pathogenic for Congenital bilateral aplasia of vas deferens from CFTR mutation; Cystic fibrosis. Review status: criteria provided, single submitter. Criteria: ACMG Guidelines, 2015. Collection method: clinical testing. Allele origin: germline. Not counted in ClinVar's aggregate classification.

Literature cited by the submitters: PubMed 1695717 (cited by Labcorp Genetics (formerly Invitae), Labcorp); PubMed 7691345 (cited by Labcorp Genetics (formerly Invitae), Labcorp); PubMed 9725922 (cited by Labcorp Genetics (formerly Invitae), Labcorp); PubMed 11668613 (cited by Labcorp Genetics (formerly Invitae), Labcorp and Women's Health and Genetics/Laboratory Corporation of America, LabCorp); PubMed 18456578 (cited by 3 submitters); PubMed 26708955 (cited by 3 submitters); PubMed 11038458 (cited by 4 submitters); PubMed 24418186 (cited by Natera, Inc. and Ambry Genetics); PubMed 15858154 (cited by Women's Health and Genetics/Laboratory Corporation of America, LabCorp); PubMed 21474639 (cited by Women's Health and Genetics/Laboratory Corporation of America, LabCorp); PubMed 23810505 (cited by Women's Health and Genetics/Laboratory Corporation of America, LabCorp); PubMed 22975760 (cited by Women's Health and Genetics/Laboratory Corporation of America, LabCorp); PubMed 26098992 (cited by Women's Health and Genetics/Laboratory Corporation of America, LabCorp); PubMed 30146269 (cited by Quest Diagnostics Nichols Institute San Juan Capistrano).

NM_000492.4(CFTR):c.1973_1985delinsAGAAA

Gene: CFTR (CF transmembrane conductance regulator; plus strand). Cytogenetic location: 7q31.2.
Variant type: Indel.
Coding change: c.1973_1985delinsAGAAA on transcript NM_000492.4 (MANE Select); coding-DNA positions 1973 to 1985, GAAATTCAATCCT replaced by AGAAA.
Genome position (GRCh38, 1-based): chr7:117,592,140-117,592,152, GAAATTCAATCCT replaced by AGAAA. VCF-style: chr7-117592140-GAAATTCAATCCT-AGAAA. GRCh37 (hg19) VCF-style: chr7-117232194-GAAATTCAATCCT-AGAAA.
Other names: 2105-2117del13insAGAAA; c.1973_1985delinsAGAAA, p.Arg658fs (LRG_663t1); c.1973_1985delGAAATTCAATCCTinsAGAAA (NM_000492.3).
Identifiers: ClinVar variation 53417 (VCV000053417.29), dbSNP rs121908780, ClinGen allele CA326721.